The following is an entry in ClinVar:

ClinVar aggregate classification (germline): Benign/Likely benign. Review status: criteria provided, multiple submitters, no conflicts (2 of 4 stars). 3 submissions from 3 submitters: Benign (1); Likely benign (2). Last evaluated 2025-11-08.

Conditions:
Hereditary cancer-predisposing syndrome. Also called: Hereditary neoplastic syndrome; Tumor predisposition; Neoplastic Syndromes, Hereditary; Hereditary Cancer Syndrome. Identifiers: Orphanet 140162, MedGen C0027672, MeSH D009386, MONDO:0015356.
Familial thoracic aortic aneurysm and aortic dissection (TAAD). Also called: Thoracic aortic aneurysms and dissections. Identifiers: Orphanet 91387, MedGen C4707243, MONDO:0019625.
Juvenile polyposis syndrome (JPS). Identifiers: Orphanet 2929, MedGen C0345893, MONDO:0017380, OMIM 174900.
Juvenile polyposis/hereditary hemorrhagic telangiectasia syndrome (JPHT). Also called: Juvenile Polyposis Syndrome / Hereditary Hemorrhagic Telangiectasia (JPS/HHT); JP/HHT SYNDROME; JUVENILE POLYPOSIS WITH HEREDITARY HEMORRHAGIC TELANGIECTASIA; POLYPOSIS, GENERALIZED JUVENILE, WITH PULMONARY ARTERIOVENOUS MALFORMATION; TELANGIECTASIA, HEREDITARY HEMORRHAGIC, WITH JUVENILE POLYPOSIS COLI. Identifiers: Orphanet 2929, MedGen C1832942, MONDO:0008278, OMIM 175050.

Submissions (3):

Ambry Genetics
Classification: Likely benign for Hereditary cancer-predisposing syndrome; Familial thoracic aortic aneurysm and aortic dissection. Last evaluated: 2025-11-08. Review status: criteria provided, single submitter. Criteria: Ambry Variant Classification Scheme 2023. Collection method: clinical testing. Allele origin: germline.

Myriad Genetics, Inc.
Classification: Benign for Juvenile polyposis/hereditary hemorrhagic telangiectasia syndrome. Last evaluated: 2025-03-20. Review status: criteria provided, single submitter. Criteria: Myriad Autosomal Dominant, Autosomal Recessive and X-Linked Classification Criteria (2023). Collection method: clinical testing. Allele origin: unknown.
Comment: This variant is considered benign. This variant is a silent/synonymous amino acid change and it is not expected to impact splicing.

Labcorp Genetics (formerly Invitae), Labcorp
Classification: Likely benign for Juvenile polyposis syndrome. Last evaluated: 2024-06-13. Review status: criteria provided, single submitter. Criteria: Invitae Variant Classification Sherloc (09022015). Collection method: clinical testing. Allele origin: germline.

NM_005359.6(SMAD4):c.1035C>T (p.Cys345=)

Gene: SMAD4 (SMAD family member 4; plus strand). Cytogenetic location: 18q21.2.
Variant type: single nucleotide variant.
Coding change: c.1035C>T on transcript NM_005359.6 (MANE Select); coding-DNA position 1035, C replaced by T.
Protein change: p.Cys345=; no amino-acid change (cysteine 345 retained).
Molecular consequence: synonymous variant.
Genome position (GRCh38, 1-based): chr18:51,065,502, C>T. VCF-style: chr18-51065502-C-T. GRCh37 (hg19) VCF-style: chr18-48591872-C-T.
Identifiers: ClinVar variation 529956 (VCV000529956.12), dbSNP rs1555686471, ClinGen allele CA503874124.